The following is an entry in ClinVar:

NM_130837.3(OPA1):c.1806_1807insATGCA (p.Val603fs)

Genes: OPA1 (OPA1 mitochondrial dynamin like GTPase; plus strand), LOC126806913 (BRD4-independent group 4 enhancer GRCh37_chr3:193364377-193365576; plus strand). Cytogenetic location: 3q29.
Variant type: Insertion.
Coding change: c.1806_1807insATGCA on transcript NM_130837.3 (MANE Select); coding-DNA positions 1806 to 1807, ATGCA inserted.
Protein change: p.Val603fs; shifts the reading frame from valine 603.
Molecular consequence: frameshift variant.
Genome position: GRCh38 VCF-style: chr3-193647112-T-TTGCAA. GRCh37 (hg19) VCF-style: chr3-193364901-T-TTGCAA.
Other names: c.1272_1273insATGCA, p.Val425fs (NM_001354663.2); c.1269_1270insATGCA, p.Val424fs (NM_001354664.2); c.1641_1642insATGCA, p.Val548fs (NM_015560.3); c.1533_1534insATGCA, p.Val512fs (NM_130831.3); c.1587_1588insATGCA, p.Val530fs (NM_130832.3); c.1644_1645insATGCA, p.Val549fs (NM_130833.3); c.1695_1696insATGCA, p.Val566fs (NM_130834.3); c.1698_1699insATGCA, p.Val567fs (NM_130835.3); and 1 more; short protein forms V424fs, V512fs, V530fs, V548fs, V566fs, V585fs, V603fs, V425fs.
Identifiers: ClinVar variation 2031706 (VCV002031706.4), dbSNP rs2474921607, ClinGen allele CA2580070534.
Genomic context (GRCh38, chr3:193,647,112, plus strand): 5'-TTTTTTTTAATAGGACAAGCATGCTAAAGGCACACCAAGTGACTACAAGAAATTTAAGCC[T>TTGCAA]TGCAGTATCAGACTGCTTTTGGAAAATGGTACGAGAGTCTGTTGAACAACAGGCTGATAG-3'

ClinVar aggregate classification (germline): Pathogenic (1 of 4 stars; one submission).

Submission:

Labcorp Genetics (formerly Invitae), Labcorp
Classification: Pathogenic. Last evaluated: 2022-09-21. Review status: criteria provided, single submitter. Criteria: Invitae Variant Classification Sherloc (09022015). Collection method: clinical testing. Allele origin: germline.
Comment: This variant has not been reported in the literature in individuals affected with OPA1-related conditions. This variant is not present in population databases (gnomAD no frequency). This sequence change creates a premature translational stop signal (p.Val548Metfs*63) in the OPA1 gene. It is expected to result in an absent or disrupted protein product. Loss-of-function variants in OPA1 are known to be pathogenic (PMID: 11440988, 20157015, 20952381, 25012220). For these reasons, this variant has been classified as Pathogenic.

Literature cited by the submitters: PubMed 11440988; PubMed 20157015; PubMed 20952381; PubMed 25012220.